The following is an entry in ClinVar:

NM_000208.2:c.[2504G>T;2525C>T]

Variant type: Haplotype.
Identifiers: ClinVar variation 377382 (VCV000377382.2).

ClinVar aggregate classification (germline): Pathogenic (0 of 4 stars; one submission).

Conditions:
Rabson-Mendenhall syndrome. Also called: Pineal hyperplasia AND diabetes mellitus syndrome; Pineal Hyperplasia, Insulin-Resistant Diabetes Mellitus, and Somatic Abnormalities; MENDENHALL SYNDROME. Identifiers: Orphanet 769, MedGen C0271695, MONDO:0009874, OMIM 262190.

Submission:

Medical Research Institute, Tokyo Medical and Dental University
Classification: Pathogenic for Rabson-Mendenhall syndrome. Last evaluated: 2014-06-02. Review status: no assertion criteria provided. Collection method: research. Allele origin: germline. Affected: yes. Observed: 1 variant allele.
Comment: This mutaion was confirmed compound heterozygosity.

Sanger sequencing.

Literature cited by the submitters: PubMed 28765322.